The following is an entry in ClinVar:

ClinVar aggregate classification (germline): Uncertain significance (1 of 4 stars; one submission).

Conditions:
Optic atrophy 3 (OPA3). Also called: OPTIC ATROPHY 3, AUTOSOMAL DOMINANT; Optic atrophy 3 with cataract; Optic atrophy, cataract, and neurologic disorder. Identifiers: Orphanet 67036, MedGen C1833809, MONDO:0008133, OMIM 165300.
3-Methylglutaconic aciduria type 3 (MGCA3). Also called: Costeff Syndrome; OPA3, AUTOSOMAL RECESSIVE; OPTIC ATROPHY 3, AUTOSOMAL RECESSIVE; OPA3-Related 3-Methylglutaconic Aciduria. Identifiers: Orphanet 67047, MedGen C0574084, MONDO:0009787, OMIM 258501.

Submission:

Labcorp Genetics (formerly Invitae), Labcorp
Classification: Uncertain significance for 3-Methylglutaconic aciduria type 3; Optic atrophy 3. Last evaluated: 2022-08-17. Review status: criteria provided, single submitter. Criteria: Invitae Variant Classification Sherloc (09022015). Collection method: clinical testing. Allele origin: germline.
Comment: This sequence change replaces alanine, which is neutral and non-polar, with proline, which is neutral and non-polar, at codon 31 of the OPA3 protein (p.Ala31Pro). This variant is not present in population databases (gnomAD no frequency). This variant has not been reported in the literature in individuals affected with OPA3-related conditions. Algorithms developed to predict the effect of missense changes on protein structure and function are either unavailable or do not agree on the potential impact of this missense change (SIFT: "Deleterious"; PolyPhen-2: "Probably Damaging"; Align-GVGD: "Class C0"). In summary, the available evidence is currently insufficient to determine the role of this variant in disease. Therefore, it has been classified as a Variant of Uncertain Significance.

NM_025136.4(OPA3):c.91G>C (p.Ala31Pro)

Genes: OPA3 (outer mitochondrial membrane lipid metabolism regulator OPA3; minus strand), OPA3-RTN2 (OPA3-RTN2 readthrough; minus strand). Cytogenetic location: 19q13.32.
Variant type: single nucleotide variant.
Coding change: c.91G>C on transcript NM_025136.4 (MANE Select); coding-DNA position 91, G replaced by C.
Protein change: p.Ala31Pro; replaces alanine 31 with proline.
Molecular consequence: missense variant.
Genome position (GRCh38, 1-based): chr19:45,584,674, C>G on the plus strand (G>C on the coding strand, the complement: OPA3 is on the minus strand). VCF-style: chr19-45584674-C-G. GRCh37 (hg19) VCF-style: chr19-46087932-C-G.
Other names: c.91G>C, p.Ala31Pro (NM_001017989.3); short protein forms A31P.
Identifiers: ClinVar variation 1715590 (VCV001715590.5), dbSNP rs1167970218, ClinGen allele CA406378476.